The following is an entry in ClinVar:

NM_000093.5(COL5A1):c.1100C>T (p.Pro367Leu)

Gene: COL5A1 (collagen type V alpha 1 chain; plus strand). Cytogenetic location: 9q34.3.
Variant type: single nucleotide variant.
Coding change: c.1100C>T on transcript NM_000093.5 (MANE Select); coding-DNA position 1100, C replaced by T.
Protein change: p.Pro367Leu; replaces proline 367 with leucine.
Molecular consequence: missense variant.
Genome position (GRCh38, 1-based): chr9:134,730,411, C>T. VCF-style: chr9-134730411-C-T. GRCh37 (hg19) VCF-style: chr9-137622257-C-T.
Other names: c.1100C>T, p.Pro367Leu (NM_001278074.1); short protein forms P367L.
Identifiers: ClinVar variation 940157 (VCV000940157.9), dbSNP rs1834838212, ClinGen allele CA375450001.

ClinVar aggregate classification (germline): Uncertain significance (1 of 4 stars; one submission).

Conditions:
Ehlers-Danlos syndrome, classic type, 1 (EDSCL1). Also called: Ehlers-Danlos syndrome, type 1; EHLERS-DANLOS SYNDROME, GRAVIS TYPE; EHLERS-DANLOS SYNDROME, SEVERE CLASSIC TYPE; EDS I; Ehlers-Danlos Syndrome, Classic Type, COL5A1-Related. Identifiers: MedGen C0268335, MONDO:0019567, OMIM 130000.

Submission:

Labcorp Genetics (formerly Invitae), Labcorp
Classification: Uncertain significance for Ehlers-Danlos syndrome, classic type, 1. Last evaluated: 2025-10-14. Review status: criteria provided, single submitter. Criteria: Invitae Variant Classification Sherloc (09022015). Collection method: clinical testing. Allele origin: germline.
Comment: This sequence change replaces proline, which is neutral and non-polar, with leucine, which is neutral and non-polar, at codon 367 of the COL5A1 protein (p.Pro367Leu). This variant is not present in population databases (gnomAD no frequency). This variant has not been reported in the literature in individuals affected with COL5A1-related conditions. ClinVar contains an entry for this variant (Variation ID: 940157). Invitae Evidence Modeling of protein sequence and biophysical properties (such as structural, functional, and spatial information, amino acid conservation, physicochemical variation, residue mobility, and thermodynamic stability) indicates that this missense variant is not expected to disrupt COL5A1 protein function with a negative predictive value of 95%. In summary, the available evidence is currently insufficient to determine the role of this variant in disease. Therefore, it has been classified as a Variant of Uncertain Significance.